The following is an entry in ClinVar:

NM_012281.3(KCND2):c.1411G>C (p.Gly471Arg)

Gene: KCND2 (potassium voltage-gated channel subfamily D member 2; plus strand). Cytogenetic location: 7q31.31.
Variant type: single nucleotide variant.
Coding change: c.1411G>C on transcript NM_012281.3 (MANE Select); coding-DNA position 1411, G replaced by C.
Protein change: p.Gly471Arg; replaces glycine 471 with arginine.
Molecular consequence: missense variant.
Genome position (GRCh38, 1-based): chr7:120,742,546, G>C. VCF-style: chr7-120742546-G-C. GRCh37 (hg19) VCF-style: chr7-120382600-G-C.
Other names: short protein forms G471R.
Identifiers: ClinVar variation 640257 (VCV000640257.10), dbSNP rs757922549, ClinGen allele CA4453674.

ClinVar aggregate classification (germline): Uncertain significance (1 of 4 stars; one submission).

Conditions:
Early Myoclonic Encephalopathy. Identifiers: MedGen C0270855.

Allele frequency attached by ClinVar (database versions not stated): TOPMed 0.00001; gnomAD 0.00010.
gnomAD v4.1: 9 of 1,613,386 alleles (0.00056%); highest among the groups gnomAD compares: African/African-American, 0.012%; no homozygotes.

Submission:

Labcorp Genetics (formerly Invitae), Labcorp
Classification: Uncertain significance for Early Myoclonic Encephalopathy. Last evaluated: 2024-10-28. Review status: criteria provided, single submitter. Criteria: Invitae Variant Classification Sherloc (09022015). Collection method: clinical testing. Allele origin: germline.
Comment: This sequence change replaces glycine, which is neutral and non-polar, with arginine, which is basic and polar, at codon 471 of the KCND2 protein (p.Gly471Arg). This variant is present in population databases (rs757922549, gnomAD 0.02%). This variant has not been reported in the literature in individuals affected with KCND2-related conditions. ClinVar contains an entry for this variant (Variation ID: 640257). Invitae Evidence Modeling of protein sequence and biophysical properties (such as structural, functional, and spatial information, amino acid conservation, physicochemical variation, residue mobility, and thermodynamic stability) indicates that this missense variant is not expected to disrupt KCND2 protein function with a negative predictive value of 95%. In summary, the available evidence is currently insufficient to determine the role of this variant in disease. Therefore, it has been classified as a Variant of Uncertain Significance.